The following is an entry in ClinVar:

NM_000059.4(BRCA2):c.4981T>C (p.Tyr1661His)

Gene: BRCA2 (BRCA2 DNA repair associated; plus strand). Cytogenetic location: 13q13.1.
Variant type: single nucleotide variant.
Coding change: c.4981T>C on transcript NM_000059.4 (MANE Select); coding-DNA position 4981, T replaced by C.
Protein change: p.Tyr1661His; replaces tyrosine 1661 with histidine.
Molecular consequence: missense variant.
Genome position (GRCh38, 1-based): chr13:32,339,336, T>C. VCF-style: chr13-32339336-T-C. GRCh37 (hg19) VCF-style: chr13-32913473-T-C.
Other names: p.Y1661H:TAT>CAT; short protein forms Y1661H.
Identifiers: ClinVar variation 182213 (VCV000182213.17), dbSNP rs730881535, ClinGen allele CA021101.

ClinVar aggregate classification (germline): Conflicting classifications of pathogenicity. Review status: criteria provided, conflicting classifications (1 of 4 stars). 5 submissions from 5 submitters: Uncertain significance (4); Likely benign (1). Last evaluated 2025-10-08.

Conditions:
Hereditary cancer-predisposing syndrome. Also called: Tumor predisposition; Hereditary Cancer Syndrome; Hereditary neoplastic syndrome; Neoplastic Syndromes, Hereditary. Identifiers: Orphanet 140162, MedGen C0027672, MeSH D009386, MONDO:0015356.
Hereditary breast ovarian cancer syndrome. Also called: Breast and ovarian cancer; Hereditary breast and ovarian cancer; Hereditary breast and/or ovarian cancer syndrome; BRCA1- and BRCA2-Associated Hereditary Breast and Ovarian Cancer; Hereditary breast and ovarian cancer syndrome (HBOC); Hereditary breast and ovarian cancer syndrome. Identifiers: Orphanet 145, MedGen C0677776, MeSH D061325, MONDO:0003582. Disease mechanism: loss of function.

Allele frequency attached by ClinVar (database versions not stated): gnomAD 0.00001; TOPMed 0.00001.
gnomAD v4.1: 1 of 1,592,550 alleles (0.000063%); highest among the groups gnomAD compares: Non-Finnish European, 0.000085%; no homozygotes.

Submissions (5):

Labcorp Genetics (formerly Invitae), Labcorp
Classification: Uncertain significance for Hereditary breast ovarian cancer syndrome. Last evaluated: 2025-10-08. Review status: criteria provided, single submitter. Criteria: Invitae Variant Classification Sherloc (09022015). Collection method: clinical testing. Allele origin: germline.
Comment: This sequence change replaces tyrosine, which is neutral and polar, with histidine, which is basic and polar, at codon 1661 of the BRCA2 protein (p.Tyr1661His). This variant is not present in population databases (gnomAD no frequency). This variant has not been reported in the literature in individuals affected with BRCA2-related conditions. ClinVar contains an entry for this variant (Variation ID: 182213). Invitae Evidence Modeling of protein sequence and biophysical properties (such as structural, functional, and spatial information, amino acid conservation, physicochemical variation, residue mobility, and thermodynamic stability) indicates that this missense variant is not expected to disrupt BRCA2 protein function with a negative predictive value of 95%. In summary, the available evidence is currently insufficient to determine the role of this variant in disease. Therefore, it has been classified as a Variant of Uncertain Significance.

Ambry Genetics
Classification: Uncertain significance for Hereditary cancer-predisposing syndrome. Last evaluated: 2023-03-24. Review status: criteria provided, single submitter. Criteria: Ambry Variant Classification Scheme 2023. Collection method: clinical testing. Allele origin: germline.
Comment: The p.Y1661H variant (also known as c.4981T>C), located in coding exon 10 of the BRCA2 gene, results from a T to C substitution at nucleotide position 4981. The tyrosine at codon 1661 is replaced by histidine, an amino acid with similar properties. This alteration has been reported in 2/345 individuals at high risk for pancreatic cancer who tested negative for germline mutations in pancreatic susceptibility genes (Abe T et al. J Clin Oncol, 2019 05;37:1070-1080). This amino acid position is poorly conserved in available vertebrate species. In addition, this alteration is predicted to be tolerated by in silico analysis. Since supporting evidence is limited at this time, the clinical significance of this alteration remains unclear.

University of Washington Department of Laboratory Medicine, University of Washington
Classification: Likely benign for Hereditary cancer-predisposing syndrome. Last evaluated: 2023-03-23. Review status: criteria provided, single submitter. Criteria: Dines et al. (Genet Med. 2020). Collection method: curation. Allele origin: germline.
Comment: Missense variant in a coldspot region where missense variants are very unlikely to be pathogenic (PMID:31911673).

BRCA2 exon 11 coldspot. Reclassification based on statistical prior probability.

Color Diagnostics, LLC DBA Color Health
Classification: Uncertain significance for Hereditary cancer-predisposing syndrome. Last evaluated: 2023-02-28. Review status: criteria provided, single submitter. Criteria: ACMG Guidelines, 2015. Collection method: clinical testing. Allele origin: germline.
Comment: This missense variant replaces tyrosine with histidine at codon 1661 of the BRCA2 protein. Computational prediction suggests that this variant may not impact protein structure and function (internally defined REVEL score threshold <= 0.5, PMID: 27666373). To our knowledge, functional studies have not been reported for this variant. This variant has been reported in two individuals at high risk for pancreatic cancer (PMID: 30883245). This variant has not been identified in the general population by the Genome Aggregation Database (gnomAD). The available evidence is insufficient to determine the role of this variant in disease conclusively. Therefore, this variant is classified as a Variant of Uncertain Significance.

GeneDx
Classification: Uncertain significance. Last evaluated: 2017-06-15. Review status: criteria provided, single submitter. Criteria: GeneDx Variant Classification (06012015). Collection method: clinical testing. Allele origin: germline. Affected: yes.
Comment: This variant is denoted BRCA2 c.4981T>C at the cDNA level, p.Tyr1661His (Y1661H) at the protein level, and results in the change of a Tyrosine to a Histidine (TAT>CAT). Using alternate nomenclature, this variant would be defined as BRCA2 5209T>C. This variant has not, to our knowledge, been published in the literature as pathogenic or benign. BRCA2 Tyr1661His was not observed in large population cohorts (NHLBI Exome Sequencing Project, The 1000 Genomes Consortium 2015, Lek 2016). Since Tyrosine and Histidine differ in polarity, charge, size or other properties, this is considered a non-conservative amino acid substitution. BRCA2 Tyr1661His occurs at a position that is not conserved and is located in the RAD51 and POLH binding domains (Roy 2012, Buisson 2014). In silico analyses are inconsistent regarding the effect this variant may have on protein structure and function. Based on currently available information, it is unclear whether BRCA2 Tyr1661His is pathogenic or benign. We consider it to be a variant of uncertain significance.

Literature cited by the submitters: PubMed 30883245 (cited by Ambry Genetics and Color Diagnostics, LLC DBA Color Health).